The following is an entry in ClinVar:

ClinVar aggregate classification (germline): Uncertain significance (1 of 4 stars; one submission).

Conditions:
Multiple congenital anomalies-hypotonia-seizures syndrome 1 (MCAHS1). Also called: GLYCOSYLPHOSPHATIDYLINOSITOL BIOSYNTHESIS DEFECT 3; PIGN-CDG; Congenital disorder of glycosylation due to PIGN deficiency. Identifiers: Orphanet 280633, MedGen C3279775, MONDO:0013563, OMIM 614080.

Submission:

Labcorp Genetics (formerly Invitae), Labcorp
Classification: Uncertain significance for Multiple congenital anomalies-hypotonia-seizures syndrome 1. Last evaluated: 2022-09-27. Review status: criteria provided, single submitter. Criteria: Invitae Variant Classification Sherloc (09022015). Collection method: clinical testing. Allele origin: germline.
Comment: This variant is not present in population databases (gnomAD no frequency). This sequence change replaces cysteine, which is neutral and slightly polar, with tyrosine, which is neutral and polar, at codon 421 of the PIGN protein (p.Cys421Tyr). In summary, the available evidence is currently insufficient to determine the role of this variant in disease. Therefore, it has been classified as a Variant of Uncertain Significance. This variant has not been reported in the literature in individuals affected with PIGN-related conditions. Advanced modeling of protein sequence and biophysical properties (such as structural, functional, and spatial information, amino acid conservation, physicochemical variation, residue mobility, and thermodynamic stability) performed at Invitae indicates that this missense variant is expected to disrupt PIGN protein function.

NM_176787.5(PIGN):c.1262G>A (p.Cys421Tyr)

Gene: PIGN (phosphatidylinositol glycan anchor biosynthesis class N; minus strand). Cytogenetic location: 18q21.33.
Variant type: single nucleotide variant.
Coding change: c.1262G>A on transcript NM_176787.5 (MANE Select); coding-DNA position 1262, G replaced by A.
Protein change: p.Cys421Tyr; replaces cysteine 421 with tyrosine.
Molecular consequence: missense variant.
Genome position (GRCh38, 1-based): chr18:62,113,306, C>T on the plus strand (G>A on the coding strand, the complement: PIGN is on the minus strand). VCF-style: chr18-62113306-C-T. GRCh37 (hg19) VCF-style: chr18-59780539-C-T.
Other names: c.1262G>A, p.Cys421Tyr (NM_012327.6); short protein forms C421Y.
Identifiers: ClinVar variation 2008895 (VCV002008895.4), dbSNP rs2034957499, ClinGen allele CA402606023.